The following is an entry in ClinVar:

NM_021076.4(NEFH):c.2833G>A (p.Ala945Thr)

Gene: NEFH (neurofilament heavy chain; plus strand). Cytogenetic location: 22q12.2.
Variant type: single nucleotide variant.
Coding change: c.2833G>A on transcript NM_021076.4 (MANE Select); coding-DNA position 2833, G replaced by A.
Protein change: p.Ala945Thr; replaces alanine 945 with threonine.
Molecular consequence: missense variant.
Genome position (GRCh38, 1-based): chr22:29,490,473, G>A. VCF-style: chr22-29490473-G-A. GRCh37 (hg19) VCF-style: chr22-29886462-G-A.
Other names: c.2833G>A (NM_021076.3); short protein forms A945T.
Identifiers: ClinVar variation 1439177 (VCV001439177.7), dbSNP rs745757996, ClinGen allele CA10174496.

ClinVar aggregate classification (germline): Uncertain significance. Review status: criteria provided, single submitter (1 of 4 stars). 2 submissions from 2 submitters: Uncertain significance (1). 1 of the submissions does not count toward it. Last evaluated 2025-11-06.

Conditions:
NEFH-related disorder. Also called: NEFH-related condition.

Allele frequency attached by ClinVar (database versions not stated): TOPMed 0.00002; gnomAD exomes 0.00003 and 0.00004; gnomAD 0.00004; ExAC 0.00005.
gnomAD v4.1: 69 of 1,590,818 alleles (0.0043%); highest among the groups gnomAD compares: Non-Finnish European, 0.0056%; no homozygotes.

Submissions (2):

Labcorp Genetics (formerly Invitae), Labcorp
Classification: Uncertain significance. Last evaluated: 2025-11-06. Review status: criteria provided, single submitter. Criteria: Invitae Variant Classification Sherloc (09022015). Collection method: clinical testing. Allele origin: germline.
Comment: This sequence change replaces alanine, which is neutral and non-polar, with threonine, which is neutral and polar, at codon 945 of the NEFH protein (p.Ala945Thr). This variant is present in population databases (rs745757996, gnomAD 0.007%). This variant has not been reported in the literature in individuals affected with NEFH-related conditions. ClinVar contains an entry for this variant (Variation ID: 1439177). Invitae Evidence Modeling of protein sequence and biophysical properties (such as structural, functional, and spatial information, amino acid conservation, physicochemical variation, residue mobility, and thermodynamic stability) indicates that this missense variant is not expected to disrupt NEFH protein function with a negative predictive value of 95%. In summary, the available evidence is currently insufficient to determine the role of this variant in disease. Therefore, it has been classified as a Variant of Uncertain Significance.

PreventionGenetics, part of Exact Sciences
Classification: Uncertain significance for NEFH-related condition. Last evaluated: 2024-04-01. Review status: no assertion criteria provided. Collection method: clinical testing. Allele origin: germline. Not counted in ClinVar's aggregate classification.
Comment: The NEFH c.2833G>A variant is predicted to result in the amino acid substitution p.Ala945Thr. To our knowledge, this variant has not been reported in the literature. This variant is reported in 0.0065% of alleles in individuals of European (Non-Finnish) descent in gnomAD. At this time, the clinical significance of this variant is uncertain due to the absence of conclusive functional and genetic evidence.